The following is an entry in ClinVar:

ClinVar aggregate classification (germline): Uncertain significance. Review status: criteria provided, multiple submitters, no conflicts (2 of 4 stars). 2 submissions from 2 submitters: Uncertain significance (2). Last evaluated 2024-02-11.

Conditions:
Amyotrophic lateral sclerosis type 10 (ALS10). Also called: AMYOTROPHIC LATERAL SCLEROSIS 10 WITHOUT FRONTOTEMPORAL DEMENTIA AND WITH TDP43 INCLUSIONS; AMYOTROPHIC LATERAL SCLEROSIS 10 WITH OR WITHOUT FRONTOTEMPORAL DEMENTIA AND WITH TDP43 INCLUSIONS; AMYOTROPHIC LATERAL SCLEROSIS 10 WITH OR WITHOUT FRONTOTEMPORAL DEMENTIA; TARDBP-Related Amyotrophic Lateral Sclerosis-Frontotemporal Dementia; Amyotrophic lateral sclerosis 10, with or without FTD. Identifiers: Orphanet 275872, Orphanet 803, MedGen C2677565, MONDO:0012790, OMIM 612069.
FRONTOTEMPORAL LOBAR DEGENERATION WITH TDP43 INCLUSIONS, TARDBP-RELATED. Also called: Frontotemporal lobar degeneration, TARDBP-related. Identifiers: MedGen C3150169, OMIM 612069.

Submissions (2):

Labcorp Genetics (formerly Invitae), Labcorp
Classification: Uncertain significance for Amyotrophic lateral sclerosis type 10; FRONTOTEMPORAL LOBAR DEGENERATION WITH TDP43 INCLUSIONS, TARDBP-RELATED. Last evaluated: 2024-02-11. Review status: criteria provided, single submitter. Criteria: Invitae Variant Classification Sherloc (09022015). Collection method: clinical testing. Allele origin: germline.
Comment: This sequence change replaces glycine, which is neutral and non-polar, with serine, which is neutral and polar, at codon 402 of the TARDBP protein (p.Gly402Ser). This variant is not present in population databases (gnomAD no frequency). This variant has not been reported in the literature in individuals affected with TARDBP-related conditions. An algorithm developed to predict the effect of missense changes on protein structure and function (PolyPhen-2) suggests that this variant is likely to be disruptive. In summary, the available evidence is currently insufficient to determine the role of this variant in disease. Therefore, it has been classified as a Variant of Uncertain Significance.

Athena Diagnostics
Classification: Uncertain significance. Last evaluated: 2023-10-13. Review status: criteria provided, single submitter. Criteria: Athena Diagnostics Criteria. Collection method: clinical testing. Allele origin: unknown.
Comment: Available data are insufficient to determine the clinical significance of the variant at this time. This variant has not been reported in large, multi-ethnic general populations. Computational tools predict that this variant is not damaging. The variant is located in a region that is considered important for protein function and/or structure.

NM_007375.4(TARDBP):c.1204G>A (p.Gly402Ser)

Gene: TARDBP (TAR DNA binding protein; plus strand). Cytogenetic location: 1p36.22.
Variant type: single nucleotide variant.
Coding change: c.1204G>A on transcript NM_007375.4 (MANE Select); coding-DNA position 1204, G replaced by A.
Protein change: p.Gly402Ser; replaces glycine 402 with serine.
Molecular consequence: missense variant.
Genome position (GRCh38, 1-based): chr1:11,022,613, G>A. VCF-style: chr1-11022613-G-A. GRCh37 (hg19) VCF-style: chr1-11082670-G-A.
Other names: short protein forms G402S.
Identifiers: ClinVar variation 3571647 (VCV003571647.3).
Genomic context (GRCh38, chr1:11,022,613, plus strand): 5'-GCAATTGGTTGGGGATCAGCATCCAATGCAGGGTCGGGCAGTGGTTTTAATGGAGGCTTT[G>A]GCTCAAGCATGGATTCTAAGTCTTCTGGCTGGGGAATGTAGACAGTGGGGTTGTGGTTGG-3'
Protein context (NP_031401.1, residues 392-412): GSGSGFNGGF[Gly402Ser]SSMDSKSSGW